The following is an entry in ClinVar:

ClinVar aggregate classification (germline): Uncertain significance (1 of 4 stars; one submission).

Conditions:
Holoprosencephaly sequence (HPE). Also called: Holoprosencephaly. Identifiers: Orphanet 2162, MedGen C0079541, MONDO:0016296, HP:0001360.

Allele frequency attached by ClinVar (database versions not stated): gnomAD exomes below 0.00001.

Submission:

Labcorp Genetics (formerly Invitae), Labcorp
Classification: Uncertain significance for Holoprosencephaly sequence. Last evaluated: 2021-12-21. Review status: criteria provided, single submitter. Criteria: Invitae Variant Classification Sherloc (09022015). Collection method: clinical testing. Allele origin: germline.
Comment: In summary, the available evidence is currently insufficient to determine the role of this variant in disease. Therefore, it has been classified as a Variant of Uncertain Significance. Algorithms developed to predict the effect of missense changes on protein structure and function output the following: SIFT: "Tolerated"; PolyPhen-2: "Benign"; Align-GVGD: "Class C0". The serine amino acid residue is found in multiple mammalian species, which suggests that this missense change does not adversely affect protein function. This missense change has been observed in individual(s) with holoprosencephaly (PMID: 18538293). This variant is not present in population databases (gnomAD no frequency). This sequence change replaces proline, which is neutral and non-polar, with serine, which is neutral and polar, at codon 354 of the FOXH1 protein (p.Pro354Ser).

Literature cited by the submitters: PubMed 18538293.

NM_003923.3(FOXH1):c.1060C>T (p.Pro354Ser)

Gene: FOXH1 (forkhead box H1; minus strand). Cytogenetic location: 8q24.3.
Variant type: single nucleotide variant.
Coding change: c.1060C>T on transcript NM_003923.3 (MANE Select); coding-DNA position 1060, C replaced by T.
Protein change: p.Pro354Ser; replaces proline 354 with serine.
Molecular consequence: missense variant.
Genome position (GRCh38, 1-based): chr8:144,474,276, G>A on the plus strand (C>T on the coding strand, the complement: FOXH1 is on the minus strand). VCF-style: chr8-144474276-G-A. GRCh37 (hg19) VCF-style: chr8-145699659-G-A.
Other names: short protein forms P354S.
Identifiers: ClinVar variation 2136717 (VCV002136717.4), dbSNP rs2537637404, ClinGen allele CA372722870.
Genomic context (GRCh38, chr8:144,474,276, plus strand): 5'-AGTGGCCCCTGTCTTAAGAGCCTCACAGGCTGCACCAGGAGAGCAGCCAGCCTGGGCCAG[G>A]GGCCGCCAGGTCCCGAGGGTGGCTGACCCAAACGTCGTAGATGCTTTTGTTGGGTGGCAC-3'
Protein context (NP_003914.1, residues 344-364): WVSHPRDLAA[Pro354Ser]GPGWLLSWCS